The following is an entry in ClinVar:

ClinVar aggregate classification (germline): Uncertain significance (1 of 4 stars; one submission).

Conditions:
Immunodeficiency 25. Also called: Immunodeficiency due to defect in cd3-zeta, somatic. Identifiers: MedGen C1857798, MONDO:0012426, OMIM 610163.

Allele frequency attached by ClinVar (database versions not stated): ExAC 0.00002; gnomAD exomes 0.00002 and 0.00006; gnomAD 0.00004 and 0.00005; TOPMed 0.00006; 1000 Genomes Project 0.00040; 1000 Genomes Project 30x 0.00047.

Submission:

Labcorp Genetics (formerly Invitae), Labcorp
Classification: Uncertain significance for Immunodeficiency 25. Last evaluated: 2022-08-15. Review status: criteria provided, single submitter. Criteria: Invitae Variant Classification Sherloc (09022015). Collection method: clinical testing. Allele origin: germline.
Comment: This sequence change affects codon 100 of the CD247 mRNA. It is a 'silent' change, meaning that it does not change the encoded amino acid sequence of the CD247 protein. This variant also falls at the last nucleotide of exon 4, which is part of the consensus splice site for this exon. This variant is present in population databases (rs541120315, gnomAD 0.03%). This variant has not been reported in the literature in individuals affected with CD247-related conditions. ClinVar contains an entry for this variant (Variation ID: 952188). Variants that disrupt the consensus splice site are a relatively common cause of aberrant splicing (PMID: 17576681, 9536098). Algorithms developed to predict the effect of sequence changes on RNA splicing suggest that this variant may disrupt the consensus splice site. In summary, the available evidence is currently insufficient to determine the role of this variant in disease. Therefore, it has been classified as a Variant of Uncertain Significance.

Literature cited by the submitters: PubMed 17576681 (cited by Labcorp Genetics (formerly Invitae), Labcorp); PubMed 9536098 (cited by Labcorp Genetics (formerly Invitae), Labcorp).

NM_198053.3(CD247):c.300G>A (p.Pro100=)

Gene: CD247 (CD247 molecule; minus strand). Cytogenetic location: 1q24.2.
Variant type: single nucleotide variant.
Coding change: c.300G>A on transcript NM_198053.3 (MANE Select); coding-DNA position 300, G replaced by A.
Protein change: p.Pro100=; no amino-acid change (proline 100 retained).
Molecular consequence: synonymous variant.
Genome position (GRCh38, 1-based): chr1:167,438,570, C>T on the plus strand (G>A on the coding strand, the complement: CD247 is on the minus strand). VCF-style: chr1-167438570-C-T. GRCh37 (hg19) VCF-style: chr1-167407807-C-T.
Other names: c.300G>A, p.Pro100= (NM_000734.4); c.393G>A, p.Pro131= (NM_001378515.1, NM_001378516.1).
Identifiers: ClinVar variation 952188 (VCV000952188.5), dbSNP rs541120315, ClinGen allele CA1226018.